The following is an entry in ClinVar:

NM_002691.4(POLD1):c.2573A>G (p.Glu858Gly)

Gene: POLD1 (DNA polymerase delta 1, catalytic subunit; plus strand). Cytogenetic location: 19q13.33.
Variant type: single nucleotide variant.
Coding change: c.2573A>G on transcript NM_002691.4 (MANE Select); coding-DNA position 2573, A replaced by G.
Protein change: p.Glu858Gly; replaces glutamic acid 858 with glycine.
Molecular consequence: missense variant. On other transcripts: non-coding transcript variant (1).
Genome position (GRCh38, 1-based): chr19:50,415,446, A>G. VCF-style: chr19-50415446-A-G. GRCh37 (hg19) VCF-style: chr19-50918703-A-G.
Other names: c.2573A>G, p.Glu858Gly (NM_001256849.1); c.2651A>G, p.Glu884Gly (NM_001308632.1); short protein forms E884G, E858G.
Identifiers: ClinVar variation 2811886 (VCV002811886.3), dbSNP rs2514053195, ClinGen allele CA406985292.

ClinVar aggregate classification (germline): Uncertain significance (1 of 4 stars; one submission).

Conditions:
POLD1-related polyposis and colorectal cancer syndrome (CRCS10). Also called: Colorectal cancer 10; Colorectal cancer, susceptibility to, 10; COLORECTAL CANCER, SUSCEPTIBILITY TO, ON CHROMOSOME 19q. Identifiers: Orphanet 220460, MedGen C2675481, MONDO:0012953, OMIM 612591.

Submission:

Labcorp Genetics (formerly Invitae), Labcorp
Classification: Uncertain significance for POLD1-related polyposis and colorectal cancer syndrome. Last evaluated: 2022-11-03. Review status: criteria provided, single submitter. Criteria: Invitae Variant Classification Sherloc (09022015). Collection method: clinical testing. Allele origin: germline.
Comment: This variant has not been reported in the literature in individuals affected with POLD1-related conditions. This variant is not present in population databases (gnomAD no frequency). This sequence change replaces glutamic acid, which is acidic and polar, with glycine, which is neutral and non-polar, at codon 858 of the POLD1 protein (p.Glu858Gly). In summary, the available evidence is currently insufficient to determine the role of this variant in disease. Therefore, it has been classified as a Variant of Uncertain Significance. Advanced modeling of protein sequence and biophysical properties (such as structural, functional, and spatial information, amino acid conservation, physicochemical variation, residue mobility, and thermodynamic stability) performed at Invitae indicates that this missense variant is not expected to disrupt POLD1 protein function.